The following is an entry in ClinVar:

NC_000021.8:g.(?_15481314)_(15481421_?)del

Gene: LIPI (lipase I; minus strand). Cytogenetic location: 21q11.2.
Variant type: Deletion.
Identifiers: ClinVar variation 3248216 (VCV003248216.1).

ClinVar aggregate classification (germline): Uncertain significance (1 of 4 stars; one submission).

Submission:

Labcorp Genetics (formerly Invitae), Labcorp
Classification: Uncertain significance. Last evaluated: 2023-11-05. Review status: criteria provided, single submitter. Criteria: Invitae Variant Classification Sherloc (09022015). Collection method: clinical testing. Allele origin: unknown.
Comment: This variant is a gross deletion of the genomic region encompassing exon(s) 10 of the LIPI gene, which includes the termination codon. This deletion extends beyond the assayed region for this gene and therefore may encompass additional genes. While this deletion is not anticipated to lead to nonsense mediated decay, it is expected to alter mRNA translation or result in a truncated protein product. This variant has not been reported in the literature in individuals affected with LIPI-related conditions. Experimental studies and prediction algorithms are not available or were not evaluated, and the functional significance of this variant is currently unknown. In summary, the available evidence is currently insufficient to determine the role of this variant in disease. Therefore, it has been classified as a Variant of Uncertain Significance.